The following is an entry in ClinVar:

ClinVar aggregate classification (germline): Uncertain significance. Review status: criteria provided, multiple submitters, no conflicts (2 of 4 stars). 7 submissions from 7 submitters: Uncertain significance (7). Last evaluated 2025-09-24.

Conditions:
Hereditary cancer-predisposing syndrome. Also called: Neoplastic Syndromes, Hereditary; Tumor predisposition; Hereditary Cancer Syndrome; Hereditary neoplastic syndrome. Identifiers: Orphanet 140162, MedGen C0027672, MeSH D009386, MONDO:0015356.
Lynch syndrome 4 (LYNCH4). Also called: Colorectal cancer, hereditary nonpolyposis, type 4; Hereditary non-polyposis colorectal cancer, type 4. Identifiers: Orphanet 144, MedGen C1838333, MONDO:0013699, OMIM 614337. Disease mechanism: loss of function.
Hereditary nonpolyposis colorectal neoplasms. Identifiers: MedGen C0009405, MeSH D003123.
Mismatch repair cancer syndrome 4. Identifiers: MedGen C5436817, MONDO:0030843, OMIM 619101.

Allele frequency attached by ClinVar (database versions not stated): gnomAD exomes below 0.00001; TOPMed below 0.00001.

Submissions (7):

Labcorp Genetics (formerly Invitae), Labcorp
Classification: Uncertain significance for Hereditary nonpolyposis colorectal neoplasms. Last evaluated: 2025-09-24. Review status: criteria provided, single submitter. Criteria: Invitae Variant Classification Sherloc (09022015). Collection method: clinical testing. Allele origin: germline.
Comment: This sequence change replaces proline, which is neutral and non-polar, with arginine, which is basic and polar, at codon 794 of the PMS2 protein (p.Pro794Arg). The frequency data for this variant in the population databases (gnomAD) is considered unreliable due to the presence of homologous sequence, such as pseudogenes or paralogs, in the genome. This variant has not been reported in the literature in individuals affected with PMS2-related conditions. ClinVar contains an entry for this variant (Variation ID: 231217). Invitae Evidence Modeling incorporating data from in vitro experimental studies (internal data) indicates that this missense variant is not expected to disrupt PMS2 function with a negative predictive value of 95%. In summary, the available evidence is currently insufficient to determine the role of this variant in disease. Therefore, it has been classified as a Variant of Uncertain Significance.

Ambry Genetics
Classification: Uncertain significance for Hereditary cancer-predisposing syndrome. Last evaluated: 2025-08-21. Review status: criteria provided, single submitter. Criteria: Ambry Variant Classification Scheme 2023. Collection method: clinical testing. Allele origin: germline.
Comment: The p.P794R variant (also known as c.2381C>G), located in coding exon 14 of the PMS2 gene, results from a C to G substitution at nucleotide position 2381. The proline at codon 794 is replaced by arginine, an amino acid with dissimilar properties. This amino acid position is highly conserved in available vertebrate species. In addition, this alteration is predicted to be deleterious by in silico analysis. Based on the available evidence, the clinical significance of this variant remains unclear.

Quest Diagnostics Nichols Institute San Juan Capistrano
Classification: Uncertain significance. Last evaluated: 2025-07-02. Review status: criteria provided, single submitter. Criteria: Quest Diagnostics criteria. Collection method: clinical testing. Allele origin: unknown.
Comment: The PMS2 c.2381C>G (p.Pro794Arg) variant has not been reported in individuals with PMS2-related conditions in the published literature. The frequency of this variant in the general population (Genome Aggregation Database) is uninformative in the assessment of its pathogenicity. Analysis of this variant using bioinformatics tools for the prediction of the effect of amino acid changes on protein structure and function yielded conflicting predictions that this variant is benign or damaging. Based on the available information, we are unable to determine the clinical significance of this variant.

Fulgent Genetics
Classification: Uncertain significance for Lynch syndrome 4; Mismatch repair cancer syndrome 4. Last evaluated: 2024-06-06. Review status: criteria provided, single submitter. Criteria: ACMG Guidelines, 2015. Collection method: clinical testing. Allele origin: germline.

Baylor Genetics
Classification: Uncertain significance for Lynch syndrome 4. Last evaluated: 2023-05-12. Review status: criteria provided, single submitter. Criteria: ACMG Guidelines, 2015. Collection method: clinical testing. Allele origin: unknown.

Color Diagnostics, LLC DBA Color Health
Classification: Uncertain significance for Hereditary cancer-predisposing syndrome. Last evaluated: 2023-03-28. Review status: criteria provided, single submitter. Criteria: ACMG Guidelines, 2015. Collection method: clinical testing. Allele origin: germline.
Comment: This missense variant replaces proline with arginine at codon 794 of the PMS2 protein. Computational prediction is inconclusive regarding the impact of this variant on protein structure and function (internally defined REVEL score threshold 0.5 < inconclusive < 0.7, PMID: 27666373). To our knowledge, functional studies have not been reported for this variant. This variant has not been reported in individuals affected with PMS2-related disorders in the literature. This variant has been identified in 1/247460 chromosomes in the general population by the Genome Aggregation Database (gnomAD). The available evidence is insufficient to determine the role of this variant in disease conclusively. Therefore, this variant is classified as a Variant of Uncertain Significance.

GeneDx
Classification: Uncertain significance. Last evaluated: 2018-09-20. Review status: criteria provided, single submitter. Criteria: GeneDx Variant Classification (06012015). Collection method: clinical testing. Allele origin: germline. Affected: yes.
Comment: This variant is denoted PMS2 c.2381C>G at the cDNA level, p.Pro794Arg (P794R) at the protein level, and results in the change of a Proline to an Arginine (CCT>CGT). This variant has not, to our knowledge, been published in the literature as a pathogenic or benign germline variant. Although this variant was observed in large population cohorts, data in this region of PMS2 are not considered reliable due to high pseudogene homology (Lek 2016). This variant is located within the endonuclease domain (Fukui 2011). In silico analysis, which includes protein predictors and evolutionary conservation, supports a deleterious effect. Based on currently available evidence, it is unclear whether PMS2 Pro794Arg is a pathogenic or benign variant. We consider it to be a variant of uncertain significance.

Literature cited by the submitters: PubMed 30787465 (cited by Quest Diagnostics Nichols Institute San Juan Capistrano).

NM_000535.7(PMS2):c.2381C>G (p.Pro794Arg)

Gene: PMS2 (PMS1 homolog 2, mismatch repair system component; minus strand). Cytogenetic location: 7p22.1.
Variant type: single nucleotide variant.
Coding change: c.2381C>G on transcript NM_000535.7 (MANE Select); coding-DNA position 2381, C replaced by G.
Protein change: p.Pro794Arg; replaces proline 794 with arginine.
Molecular consequence: missense variant. On other transcripts: non-coding transcript variant (1).
Genome position (GRCh38, 1-based): chr7:5,977,652, G>C on the plus strand (C>G on the coding strand, the complement: PMS2 is on the minus strand). VCF-style: chr7-5977652-G-C. GRCh37 (hg19) VCF-style: chr7-6017283-G-C.
Other names: c.1976C>G, p.Pro659Arg (NM_001322003.2, NM_001322004.2, NM_001322005.2); c.2225C>G, p.Pro742Arg (NM_001322006.2); c.2063C>G, p.Pro688Arg (NM_001322007.2, NM_001322008.2); c.2009C>G, p.Pro670Arg (NM_001322009.2); c.1820C>G, p.Pro607Arg (NM_001322010.2); c.1448C>G, p.Pro483Arg (NM_001322011.2, NM_001322012.2); c.1808C>G, p.Pro603Arg (NM_001322013.2); c.2414C>G, p.Pro805Arg (NM_001322014.2); and 2 more; short protein forms P794R, P603R, P688R, P659R, P742R, P483R, P691R, P607R.
Identifiers: ClinVar variation 231217 (VCV000231217.21), dbSNP rs876659030, ClinGen allele CA10577332.
Genomic context (GRCh38, chr7:5,977,652, plus strand): 5'-TTCCGGCAGGCTCTGGAGGCAAACATCTGCTTGACTCGGGAAGGCCGGCACATGACCCCA[G>C]GGCTGTCGCTCAGCATGAAGATCAGTTCATCGACGTCCTGGGGTCCGAAGGTCCAGTTTT-3'
Protein context (NP_000526.2, residues 784-804): DELIFMLSDS[Pro794Arg]GVMCRPSRVK